The following is an entry in ClinVar:

NM_000059.4(BRCA2):c.4353_4359del (p.Pro1454fs)

Gene: BRCA2 (BRCA2 DNA repair associated; plus strand). Cytogenetic location: 13q13.1.
Variant type: Deletion.
Coding change: c.4353_4359del on transcript NM_000059.4 (MANE Select); coding-DNA positions 4353 to 4359, 7 bases deleted (TCAGAAA; older notation c.4353_4359delTCAGAAA).
Protein change: p.Pro1454fs; shifts the reading frame from proline 1454.
Molecular consequence: frameshift variant.
Genome position (GRCh38, 1-based): chr13:32,338,708-32,338,714, TCAGAAA deleted; deleting any 7 consecutive bases within chr13:32,338,707-32,338,714 gives the same sequence; the c. name uses the placement nearest the transcript's 3' end. VCF-style (leftmost placement, unchanged base first): chr13-32338706-GATCAGAA-G. GRCh37 (hg19) VCF-style: chr13-32912843-GATCAGAA-G.
Other names: c.4353_4359delTCAGAAA (NM_000059.3); short protein forms P1454fs.
Identifiers: ClinVar variation 548434 (VCV000548434.1), dbSNP rs1555283736, ClinGen allele CA658823579.

ClinVar aggregate classification (germline): Pathogenic (3 of 4 stars; one submission).

Conditions:
Breast-ovarian cancer, familial, susceptibility to, 2 (BROVCA2). Also called: BRCA2 Hereditary Breast and Ovarian Cancer. Identifiers: Orphanet 145, MedGen C2675520, MONDO:0012933, OMIM 612555. Disease mechanism: loss of function.

Submission:

Evidence-based Network for the Interpretation of Germline Mutant Alleles (ENIGMA)
Classification: Pathogenic for Breast-ovarian cancer, familial, susceptibility to, 2. Last evaluated: 2017-12-15. Review status: reviewed by expert panel. Criteria: ENIGMA BRCA1/2 Classification Criteria (2017-06-29). Collection method: curation. Allele origin: germline. Study: ENIGMA.
Comment: Variant allele predicted to encode a truncated non-functional protein.